The following is an entry in ClinVar:

NM_002080.4(GOT2):c.202C>T (p.Arg68Trp)

Gene: GOT2 (glutamic-oxaloacetic transaminase 2; minus strand). Cytogenetic location: 16q21.
Variant type: single nucleotide variant.
Coding change: c.202C>T on transcript NM_002080.4 (MANE Select); coding-DNA position 202, C replaced by T.
Protein change: p.Arg68Trp; replaces arginine 68 with tryptophan.
Molecular consequence: missense variant.
Genome position (GRCh38, 1-based): chr16:58,723,790, G>A on the plus strand (C>T on the coding strand, the complement: GOT2 is on the minus strand). VCF-style: chr16-58723790-G-A. GRCh37 (hg19) VCF-style: chr16-58757694-G-A.
Other names: c.202C>T, p.Arg68Trp (NM_001286220.2); short protein forms R68W.
Identifiers: ClinVar variation 1497401 (VCV001497401.20), dbSNP rs557150117, ClinGen allele CA8091128.

ClinVar aggregate classification (germline): Conflicting classifications of pathogenicity. Review status: criteria provided, conflicting classifications (1 of 4 stars). 2 submissions from 2 submitters: Uncertain significance (1); Likely benign (1). Last evaluated 2024-11-01.

Allele frequency attached by ClinVar (database versions not stated): TOPMed below 0.00001; gnomAD 0.00004; gnomAD exomes 0.00005 and 0.00012; ExAC 0.00015; 1000 Genomes Project 30x 0.00031; 1000 Genomes Project 0.00040.

Submissions (2):

CeGaT Center for Human Genetics Tuebingen
Classification: Likely benign. Last evaluated: 2024-11-01. Review status: criteria provided, single submitter. Criteria: CeGaT Center For Human Genetics Tuebingen Variant Classification Criteria Version 2. Collection method: clinical testing. Allele origin: germline. Affected: yes. Observed: 1 variant allele.
Comment: GOT2: PP3, BS2

Labcorp Genetics (formerly Invitae), Labcorp
Classification: Uncertain significance. Last evaluated: 2021-08-31. Review status: criteria provided, single submitter. Criteria: Invitae Variant Classification Sherloc (09022015). Collection method: clinical testing. Allele origin: germline.
Comment: This sequence change replaces arginine with tryptophan at codon 68 of the GOT2 protein (p.Arg68Trp). The arginine residue is highly conserved and there is a moderate physicochemical difference between arginine and tryptophan. This variant is present in population databases (rs557150117, ExAC 0.1%). This variant has not been reported in the literature in individuals affected with GOT2-related conditions. Algorithms developed to predict the effect of missense changes on protein structure and function (SIFT, PolyPhen-2, Align-GVGD) all suggest that this variant is likely to be disruptive. In summary, the available evidence is currently insufficient to determine the role of this variant in disease. Therefore, it has been classified as a Variant of Uncertain Significance.